The following is an entry in ClinVar:

ClinVar aggregate classification (germline): Uncertain significance (1 of 4 stars; one submission).

Conditions:
Cardiovascular phenotype. Identifiers: MedGen CN230736.

Allele frequency attached by ClinVar (database versions not stated): gnomAD exomes below 0.00001; TOPMed 0.00001; gnomAD 0.00002.
gnomAD v4.1: 4 of 1,613,886 alleles (0.00025%); highest among the groups gnomAD compares: Non-Finnish European, 0.00034%; no homozygotes.

Submission:

Ambry Genetics
Classification: Uncertain significance for Cardiovascular phenotype. Last evaluated: 2022-05-02. Review status: criteria provided, single submitter. Criteria: Ambry Variant Classification Scheme 2023. Collection method: clinical testing. Allele origin: germline.
Comment: The p.M3596T variant (also known as c.10787T>C), located in coding exon 26 of the APOB gene, results from a T to C substitution at nucleotide position 10787. The methionine at codon 3596 is replaced by threonine, an amino acid with similar properties. This amino acid position is conserved. In addition, this alteration is predicted to be tolerated by in silico analysis. Since supporting evidence is limited at this time, the clinical significance of this alteration remains unclear.

NM_000384.3(APOB):c.10787T>C (p.Met3596Thr)

Gene: APOB (apolipoprotein B; minus strand). Cytogenetic location: 2p24.1.
Variant type: single nucleotide variant.
Coding change: c.10787T>C on transcript NM_000384.3 (MANE Select); coding-DNA position 10787, T replaced by C.
Protein change: p.Met3596Thr; replaces methionine 3596 with threonine.
Molecular consequence: missense variant.
Genome position (GRCh38, 1-based): chr2:21,006,081, A>G on the plus strand (T>C on the coding strand, the complement: APOB is on the minus strand). VCF-style: chr2-21006081-A-G. GRCh37 (hg19) VCF-style: chr2-21228953-A-G.
Other names: short protein forms M3596T.
Identifiers: ClinVar variation 1785340 (VCV001785340.2), dbSNP rs1217542577, ClinGen allele CA345984980.
Genomic context (GRCh38, chr2:21,006,081, plus strand): 5'-AGGTCAGGGAAATCATGGAAGGAACTGGGCTGACTTGCATGGACCTGAACAAGAGCTGAC[A>G]TTTGCCATGGAGAGAGTTCCAGGGTGGCTTTGCTTGTATGTTCTCCGTTGGTGAAAAAGA-3'
Protein context (NP_000375.3, residues 3586-3606): KATLELSPWQ[Met3596Thr]SALVQVHASQ